The following is an entry in ClinVar:

NM_177559.3(CSNK2A1):c.400C>T (p.Arg134Ter)

Gene: CSNK2A1 (casein kinase 2 alpha 1; minus strand). Cytogenetic location: 20p13.
Variant type: single nucleotide variant.
Coding change: c.400C>T on transcript NM_177559.3 (MANE Select); coding-DNA position 400, C replaced by T.
Protein change: p.Arg134Ter; replaces arginine 134 with a stop codon.
Molecular consequence: nonsense. On other transcripts: 5 prime UTR variant (1).
Genome position (GRCh38, 1-based): chr20:497,747, G>A on the plus strand (C>T on the coding strand, the complement: CSNK2A1 is on the minus strand). VCF-style: chr20-497747-G-A. GRCh37 (hg19) VCF-style: chr20-478391-G-A.
Other names: c.400C>T, p.Arg134Ter (NM_001362770.2, NM_001362771.2, NM_001895.4); c.-9C>T (NM_177560.3); short protein forms R134*.
Identifiers: ClinVar variation 1327181 (VCV001327181.9), dbSNP rs2122537652, ClinGen allele CA407934559.

ClinVar aggregate classification (germline): Pathogenic/Likely pathogenic. Review status: criteria provided, multiple submitters, no conflicts (2 of 4 stars). 5 submissions from 5 submitters: Pathogenic (3); Likely pathogenic (1). 1 of the submissions does not count toward it. Last evaluated 2026-01-09.

Conditions:
Okur-Chung neurodevelopmental syndrome (OCNDS). Identifiers: Orphanet 689422, MedGen C4310739, MONDO:0014893, OMIM 617062.
CSNK2A1-related disorder. Also called: CSNK2A1-related condition; CSNK2A1- Related Disorders.

Submissions (5):

Labcorp Genetics (formerly Invitae), Labcorp
Classification: Pathogenic. Last evaluated: 2026-01-09. Review status: criteria provided, single submitter. Criteria: Invitae Variant Classification Sherloc (09022015). Collection method: clinical testing. Allele origin: germline.
Comment: This sequence change creates a premature translational stop signal (p.Arg134*) in the CSNK2A1 gene. It is expected to result in an absent or disrupted protein product. Loss-of-function variants in CSNK2A1 are known to be pathogenic (PMID: 27048600, 30655572). This variant is not present in population databases (gnomAD no frequency). This variant has not been reported in the literature in individuals affected with CSNK2A1-related conditions. ClinVar contains an entry for this variant (Variation ID: 1327181). Algorithms developed to predict the effect of sequence changes on RNA splicing suggest that this variant may disrupt the consensus splice site. For these reasons, this variant has been classified as Pathogenic.

Clinical Genomics Laboratory, Washington University in St. Louis
Classification: Likely pathogenic for Okur-Chung neurodevelopmental syndrome. Last evaluated: 2025-09-01. Review status: criteria provided, single submitter. Criteria: ACMG Guidelines, 2015. Collection method: clinical testing. Allele origin: germline. Affected: yes.
Comment: The CSNK2A1 c.400C>T (p.Arg134*) variant, to our knowledge, has not been reported in the medical literature. This variant has been reported in the ClinVar database as a germline pathogenic variant by two submitters and as a variant of uncertain significance by one submitter. This variant is absent from the general population (gnomAD v.2.1.1), indicating it is not a common variant. This variant leads to a premature termination codon, which is predicted to lead to nonsense-mediated decay, but loss of function is not the known disease mechanism, as this gene has little evidence for haploinsufficiency. Based on available information and the ACMG/AMP guidelines for variant interpretation (Richards S et al., PMID: 25741868), this variant is classified as likely pathogenic.

GeneDx
Classification: Pathogenic. Last evaluated: 2025-06-24. Review status: criteria provided, single submitter. Criteria: GeneDx Variant Classification Process June 2021. Collection method: clinical testing. Allele origin: germline. Affected: yes.
Comment: Has not been previously published as pathogenic or benign to our knowledge; Not observed at significant frequency in large population cohorts (gnomAD); Nonsense variant predicted to result in protein truncation or nonsense mediated decay in a gene for which loss of function is a known mechanism of disease

Laboratory Cellgenetics, GMDL Cellgenetics
Classification: Pathogenic for Okur-Chung neurodevelopmental syndrome. Review status: criteria provided, single submitter. Criteria: ACMG Guidelines, 2015. Collection method: clinical testing. Allele origin: unknown. Inheritance: Autosomal dominant inheritance. Affected: yes. Observed: 1 heterozygote.

PreventionGenetics, part of Exact Sciences
Classification: Uncertain significance for CSNK2A1-related condition. Last evaluated: 2023-11-14. Review status: no assertion criteria provided. Collection method: clinical testing. Allele origin: germline. Not counted in ClinVar's aggregate classification.
Comment: The CSNK2A1 c.400C>T variant is predicted to result in premature protein termination (p.Arg134*). To our knowledge, this variant has not been reported in literature or public databases. Other loss of function variants have been reported to be causative for disease but a large majority of these are downstream of the c.400 position (Nakashima et al. 2019. PubMed ID: 30655572; Vissers et al. 2017. PubMed ID: 28333917). While the c.400C>T variant is possibly pathogenic, at this time, the clinical significance of this variant is uncertain.

Literature cited by the submitters: PubMed 27048600 (cited by Labcorp Genetics (formerly Invitae), Labcorp); PubMed 30655572 (cited by Labcorp Genetics (formerly Invitae), Labcorp).